The following is an entry in ClinVar:

ClinVar aggregate classification (germline): Likely benign. Review status: criteria provided, multiple submitters, no conflicts (2 of 4 stars). 3 submissions from 3 submitters: Likely benign (2). 1 of the submissions does not count toward it. Last evaluated 2024-09-26.

Conditions:
CDK4-related disorder. Also called: CDK4-related condition.
Familial melanoma. Also called: Hereditary melanoma; Hereditary cutaneous melanoma. Identifiers: Orphanet 618, MedGen C1512419, MONDO:0018961.
Melanoma, cutaneous malignant, susceptibility to, 3. Also called: Cutaneous malignant melanoma 3. Identifiers: Orphanet 618, MedGen C1836892, MONDO:0012183, OMIM 609048.

Allele frequency attached by ClinVar (database versions not stated): gnomAD exomes below 0.00001; gnomAD 0.00001.
gnomAD v4.1: 2 of 1,562,734 alleles (0.00013%); highest among the groups gnomAD compares: Non-Finnish European, 0.00018%; no homozygotes.

Submissions (3):

Myriad Genetics, Inc.
Classification: Likely benign for Melanoma, cutaneous malignant, susceptibility to, 3. Last evaluated: 2024-09-26. Review status: criteria provided, single submitter. Criteria: Myriad Autosomal Dominant, Autosomal Recessive and X-Linked Classification Criteria (2023). Collection method: clinical testing. Allele origin: unknown.
Comment: This variant is considered likely benign. This variant is intronic and is not expected to impact mRNA splicing.

Labcorp Genetics (formerly Invitae), Labcorp
Classification: Likely benign for Familial melanoma. Last evaluated: 2023-08-11. Review status: criteria provided, single submitter. Criteria: Invitae Variant Classification Sherloc (09022015). Collection method: clinical testing. Allele origin: germline.

PreventionGenetics, part of Exact Sciences
Classification: Likely benign for CDK4-related condition. Last evaluated: 2024-06-23. Review status: no assertion criteria provided. Collection method: clinical testing. Allele origin: germline. Not counted in ClinVar's aggregate classification.
Comment: This variant is classified as likely benign based on ACMG/AMP sequence variant interpretation guidelines (Richards et al. 2015 PMID: 25741868, with internal and published modifications).

NM_000075.4(CDK4):c.632+8A>G

Gene: CDK4 (cyclin dependent kinase 4; minus strand). Cytogenetic location: 12q14.1.
Variant type: single nucleotide variant.
Coding change: c.632+8A>G on transcript NM_000075.4 (MANE Select); 8 bases into the intron after coding-DNA position 632, A replaced by G.
Molecular consequence: intron variant.
Genome position (GRCh38, 1-based): chr12:57,750,648, T>C on the plus strand (A>G on the coding strand, the complement: CDK4 is on the minus strand). VCF-style: chr12-57750648-T-C. GRCh37 (hg19) VCF-style: chr12-58144431-T-C.
Other names: c.632+8A>G (NM_000075.3).
Identifiers: ClinVar variation 1104870 (VCV001104870.11), dbSNP rs1269709231, ClinGen allele CA605327106.